The following is an entry in ClinVar:

ClinVar aggregate classification (germline): Uncertain significance (1 of 4 stars; one submission).

gnomAD v4.1: 3 of 1,614,130 alleles (0.00019%); highest among the groups gnomAD compares: Non-Finnish European, 0.00017%; no homozygotes.

Submission:

Labcorp Genetics (formerly Invitae), Labcorp
Classification: Uncertain significance. Last evaluated: 2025-06-27. Review status: criteria provided, single submitter. Criteria: Invitae Variant Classification Sherloc (09022015). Collection method: clinical testing. Allele origin: germline.
Comment: This sequence change falls in intron 53 of the COL2A1 gene. It does not directly change the encoded amino acid sequence of the COL2A1 protein. It affects a nucleotide within the consensus splice site. This variant is present in population databases (rs763960160, gnomAD 0.0009%). This variant has not been reported in the literature in individuals affected with COL2A1-related conditions. Variants that disrupt the consensus splice site are a relatively common cause of aberrant splicing (PMID: 17576681, 9536098). Algorithms developed to predict the effect of sequence changes on RNA splicing suggest that this variant is not likely to affect RNA splicing. In summary, the available evidence is currently insufficient to determine the role of this variant in disease. Therefore, it has been classified as a Variant of Uncertain Significance.

Literature cited by the submitters: PubMed 17576681; PubMed 9536098.

NM_001844.5(COL2A1):c.4317+3G>A

Gene: COL2A1 (collagen type II alpha 1 chain; minus strand). Cytogenetic location: 12q13.11.
Variant type: single nucleotide variant.
Coding change: c.4317+3G>A on transcript NM_001844.5 (MANE Select); 3 bases into the intron after coding-DNA position 4317, G replaced by A.
Molecular consequence: intron variant.
Genome position (GRCh38, 1-based): chr12:47,974,086, C>T on the plus strand (G>A on the coding strand, the complement: COL2A1 is on the minus strand). VCF-style: chr12-47974086-C-T. GRCh37 (hg19) VCF-style: chr12-48367869-C-T.
Other names: c.4110+3G>A (NM_033150.3).
Identifiers: ClinVar variation 4737775 (VCV004737775.1).